The following is an entry in ClinVar:

NM_003900.5(SQSTM1):c.401C>T (p.Pro134Leu)

Gene: SQSTM1 (sequestosome 1; plus strand). Cytogenetic location: 5q35.3.
Variant type: single nucleotide variant.
Coding change: c.401C>T on transcript NM_003900.5 (MANE Select); coding-DNA position 401, C replaced by T.
Protein change: p.Pro134Leu; replaces proline 134 with leucine.
Molecular consequence: missense variant.
Genome position (GRCh38, 1-based): chr5:179,823,957, C>T. VCF-style: chr5-179823957-C-T. GRCh37 (hg19) VCF-style: chr5-179250957-C-T.
Other names: c.149C>T, p.Pro50Leu (NM_001142298.2, NM_001142299.2); short protein forms P50L, P134L.
Identifiers: ClinVar variation 639635 (VCV000639635.8), dbSNP rs372480231, ClinGen allele CA3600498.

ClinVar aggregate classification (germline): Uncertain significance (1 of 4 stars; one submission).

Conditions:
Frontotemporal dementia and/or amyotrophic lateral sclerosis 1 (FTDALS1). Also called: Frontotemporal dementia with motor neuron disease 1; C9orf72 Frontotemporal Dementia and/or Amyotrophic Lateral Sclerosis. Identifiers: Orphanet 275872, MedGen C5779877, MONDO:0007105, OMIM 105550.
Paget disease of bone 2, early-onset (PDB2). Also called: Paget disease of bone 2. Identifiers: MedGen C4085251, MONDO:0011183, OMIM 602080.

Allele frequency attached by ClinVar (database versions not stated): gnomAD exomes below 0.00001; ExAC 0.00001; ESP Exome Variant Server 0.00008.
gnomAD v4.1: 3 of 1,614,058 alleles (0.00019%); highest among the groups gnomAD compares: Non-Finnish European, 0.00025%; no homozygotes.

Submission:

Labcorp Genetics (formerly Invitae), Labcorp
Classification: Uncertain significance for Paget disease of bone 2, early-onset; Frontotemporal dementia and/or amyotrophic lateral sclerosis 1. Last evaluated: 2022-07-19. Review status: criteria provided, single submitter. Criteria: Invitae Variant Classification Sherloc (09022015). Collection method: clinical testing. Allele origin: germline.
Comment: ClinVar contains an entry for this variant (Variation ID: 639635). In summary, the available evidence is currently insufficient to determine the role of this variant in disease. Therefore, it has been classified as a Variant of Uncertain Significance. Algorithms developed to predict the effect of missense changes on protein structure and function are either unavailable or do not agree on the potential impact of this missense change (SIFT: "Deleterious"; PolyPhen-2: "Possibly Damaging"; Align-GVGD: "Class C15"). This variant has not been reported in the literature in individuals affected with SQSTM1-related conditions. This variant is present in population databases (rs372480231, gnomAD 0.0009%). This sequence change replaces proline, which is neutral and non-polar, with leucine, which is neutral and non-polar, at codon 134 of the SQSTM1 protein (p.Pro134Leu).